The following is an entry in ClinVar:

ClinVar aggregate classification (germline): Likely benign (1 of 4 stars; one submission).

Submission:

CeGaT Center for Human Genetics Tuebingen
Classification: Likely benign. Last evaluated: 2025-09-01. Review status: criteria provided, single submitter. Criteria: CeGaT Center For Human Genetics Tuebingen Variant Classification Criteria Version 2. Collection method: clinical testing. Allele origin: germline. Affected: yes. Observed: 1 variant allele.
Comment: DSPP: BP4, BP7

NM_014208.3(DSPP):c.2223T>C (p.Ser741=)

Genes: DMP1-AS1 (DMP1 and DSPP antisense RNA 1; minus strand), DSPP (dentin sialophosphoprotein; plus strand). Cytogenetic location: 4q22.1.
Variant type: single nucleotide variant.
Coding change: c.2223T>C on transcript NM_014208.3 (MANE Select); coding-DNA position 2223, T replaced by C.
Protein change: p.Ser741=; no amino-acid change (serine 741 retained).
Molecular consequence: synonymous variant.
Genome position (GRCh38, 1-based): chr4:87,614,885, T>C. VCF-style: chr4-87614885-T-C. GRCh37 (hg19) VCF-style: chr4-88536037-T-C.
Identifiers: ClinVar variation 4281242 (VCV004281242.7).